The following is an entry in ClinVar:

ClinVar aggregate classification (germline): Uncertain significance (1 of 4 stars; one submission).

Conditions:
Early-infantile DEE. Also called: Early infantile epileptic encephalopathy; Early infantile epileptic encephalopathy with suppression bursts; Ohtahara syndrome. Identifiers: Orphanet 1934, MedGen C0393706, MONDO:0800491.

Allele frequency attached by ClinVar (database versions not stated): ExAC 0.00002; gnomAD exomes 0.00001.

Submission:

Labcorp Genetics (formerly Invitae), Labcorp
Classification: Uncertain significance for Early-infantile DEE. Last evaluated: 2024-11-11. Review status: criteria provided, single submitter. Criteria: Invitae Variant Classification Sherloc (09022015). Collection method: clinical testing. Allele origin: germline.
Comment: This sequence change replaces arginine, which is basic and polar, with lysine, which is basic and polar, at codon 416 of the ARHGEF15 protein (p.Arg416Lys). This variant is present in population databases (rs750752026, gnomAD 0.009%). This variant has not been reported in the literature in individuals affected with ARHGEF15-related conditions. ClinVar contains an entry for this variant (Variation ID: 1490823). An algorithm developed to predict the effect of missense changes on protein structure and function outputs the following: PolyPhen-2: "Benign". The lysine amino acid residue is found in multiple mammalian species, which suggests that this missense change does not adversely affect protein function. In summary, the available evidence is currently insufficient to determine the role of this variant in disease. Therefore, it has been classified as a Variant of Uncertain Significance.

NM_173728.4(ARHGEF15):c.1247G>A (p.Arg416Lys)

Gene: ARHGEF15 (Rho guanine nucleotide exchange factor 15; plus strand). Cytogenetic location: 17p13.1.
Variant type: single nucleotide variant.
Coding change: c.1247G>A on transcript NM_173728.4 (MANE Select); coding-DNA position 1247, G replaced by A.
Protein change: p.Arg416Lys; replaces arginine 416 with lysine.
Molecular consequence: missense variant.
Genome position (GRCh38, 1-based): chr17:8,315,264, G>A. VCF-style: chr17-8315264-G-A. GRCh37 (hg19) VCF-style: chr17-8218582-G-A.
Other names: c.1247G>A, p.Arg416Lys (NM_025014.2); short protein forms R416K.
Identifiers: ClinVar variation 1490823 (VCV001490823.7), dbSNP rs750752026, ClinGen allele CA8375109.